The following is an entry in ClinVar:

ClinVar aggregate classification (germline): Uncertain significance (1 of 4 stars; one submission).

Submission:

Women's Health and Genetics/Laboratory Corporation of America, LabCorp
Classification: Uncertain significance. Last evaluated: 2025-06-17. Review status: criteria provided, single submitter. Criteria: LabCorp Variant Classification Summary - May 2015. Collection method: clinical testing. Allele origin: germline.
Comment: Variant summary: GALT c.908C>A (p.Ala303Asp) results in a non-conservative amino acid change in the encoded protein sequence. Algorithms developed to predict the effect of missense changes on protein structure and function all suggest that this variant is likely to be disruptive. The variant was absent in 251036 control chromosomes (gnomAD). c.908C>A has been observed in individuals affected with Galactosemia who were each compound heterozygous with a pathogenic variant (Forte_2023, Druss_2023). These data indicate that the variant may be associated with disease. To our knowledge, no experimental evidence demonstrating an impact on protein function has been reported. The following publications have been ascertained in the context of this evaluation (PMID: 38139222, 37776278). No submitters have cited clinical-significance assessments for this variant to ClinVar. Based on the evidence outlined above, the variant was classified as VUS-possibly pathogenic.

Literature cited by the submitters: PubMed 37776278; PubMed 38139222.

NM_000155.4(GALT):c.908C>A (p.Ala303Asp)

Gene: GALT (galactose-1-phosphate uridylyltransferase; plus strand). Cytogenetic location: 9p13.3.
Variant type: single nucleotide variant.
Coding change: c.908C>A on transcript NM_000155.4 (MANE Select); coding-DNA position 908, C replaced by A.
Protein change: p.Ala303Asp; replaces alanine 303 with aspartic acid.
Molecular consequence: missense variant.
Genome position (GRCh38, 1-based): chr9:34,649,413, C>A. VCF-style: chr9-34649413-C-A. GRCh37 (hg19) VCF-style: chr9-34649410-C-A.
Other names: c.581C>A, p.Ala194Asp (NM_001258332.2); short protein forms A303D, A194D.
Identifiers: ClinVar variation 3907063 (VCV003907063.1), dbSNP rs796051968.